The following is an entry in ClinVar:

ClinVar aggregate classification (germline): Uncertain significance. Review status: criteria provided, multiple submitters, no conflicts (2 of 4 stars). 2 submissions from 2 submitters: Uncertain significance (2). Last evaluated 2025-08-14.

Conditions:
Salla disease (SD). Also called: Sialuria, Finnish type; N-acetylneuraminic acid (NANA) storage disease (NSD); Infantile sialic acid storage disorder (ISSD); Less Severe FSASD (Salla Disease). Identifiers: Orphanet 309334, Orphanet 834, MedGen C1096903, MONDO:0011449, OMIM 604369.
Inborn genetic diseases. Identifiers: MedGen C0950123, MeSH D030342.

Submissions (2):

Ambry Genetics
Classification: Uncertain significance for Inborn genetic diseases. Last evaluated: 2025-08-14. Review status: criteria provided, single submitter. Criteria: Ambry Variant Classification Scheme 2023. Collection method: clinical testing. Allele origin: germline.

Neuberg Centre For Genomic Medicine, NCGM
Classification: Uncertain significance for Salla disease. Last evaluated: 2023-06-22. Review status: criteria provided, single submitter. Criteria: ACMG Guidelines, 2015. Collection method: clinical testing. Allele origin: germline. Inheritance: Autosomal recessive inheritance. Affected: yes.
Comment: The missense variant c.82C>T (p.Arg28Trp) in the SLC17A5 gene has not been reported previously as a pathogenic variant nor as a benign variant, to our knowledge. This variant is reported with the allele frequency (0.004%) in the gnomAD Exomes. The amino acid Arg at position 28 is changed to a Trp changing protein sequence and it might alter its composition and physico-chemical properties. Multiple lines of computational evidence (Polyphen - Damaging, SIFT - Damaging) predict a damaging effect on protein structure and function for this variant. The amino acid change p.Arg28Trp in SLC17A5 is predicted as conserved by GERP++ and PhyloP across 100 vertebrates. For these reasons, this variant has been classified as Uncertain Significance

NM_012434.5(SLC17A5):c.82C>T (p.Arg28Trp)

Genes: SLC17A5 (solute carrier family 17 member 5; minus strand), LOC129996727 (ATAC-STARR-seq lymphoblastoid silent region 17338; plus strand). Cytogenetic location: 6q13.
Variant type: single nucleotide variant.
Coding change: c.82C>T on transcript NM_012434.5 (MANE Select); coding-DNA position 82, C replaced by T.
Protein change: p.Arg28Trp; replaces arginine 28 with tryptophan.
Molecular consequence: missense variant. On other transcripts: synonymous variant (2).
Genome position (GRCh38, 1-based): chr6:73,653,805, G>A on the plus strand (C>T on the coding strand, the complement: SLC17A5 is on the minus strand). VCF-style: chr6-73653805-G-A. GRCh37 (hg19) VCF-style: chr6-74363528-G-A.
Other names: c.48C>T, p.His16= (NM_001382629.1, NM_001382636.1); c.82C>T, p.Arg28Trp (NM_001382630.1, NM_001382631.1, NM_001382632.1 and 3 more transcripts); c.82C>T (NM_012434.4); short protein forms R28W.
Identifiers: ClinVar variation 3731518 (VCV003731518.2).